The following continues an entry in ClinVar:

NM_004004.6(GJB2):c.283G>A (p.Val95Met)

Gene: GJB2. ClinVar aggregate classification (germline): Pathogenic/Likely pathogenic. Pathogenic (17); Likely pathogenic (2).

Submissions 7 to 16 of 22:

Victorian Clinical Genetics Services, Murdoch Childrens Research Institute
Classification: Pathogenic for Autosomal recessive nonsyndromic hearing loss 1A. Last evaluated: 2024-10-10. Review status: criteria provided, single submitter. Criteria: ACMG Guidelines, 2015. Collection method: clinical testing. Allele origin: germline. Inheritance: Autosomal recessive inheritance. Affected: yes.
Comment: Based on the classification scheme VCGS_Germline_v1.3.5, this variant is classified as Pathogenic. Following criteria are met: 0102 - Loss of function is a known mechanism of disease in this gene and is associated with both deafness and skin conditions (OMIM). Dominant negative is also a suggested mechanism (PMID: 28428247). (I) 0108 - This gene is associated with both recessive and dominant disease. The autosomal dominant diseases are commonly associated with pathogenic missense variants. The autosomal recessive disease is associated with bi-allelic loss-of-function variants and includes missense and protein truncating variants (NIH Genetics Home Reference, PMID: 12792423). (I) 0112 - The condition associated with this gene has incomplete penetrance (PMID:31160754). (I) 0115 - Variants in this gene are known to have variable expressivity. Severity can range from mild to profound with intrafamilial variability also commonly seen. Commonly, truncating variants are associated to a more severe hearing loss (PMID: 20301449). (I) 0200 - Variant is predicted to result in a missense amino acid change from valine to methionine. (I) 0251 - This variant is heterozygous. (I) 0304 - Variant is present in gnomAD (v4) <0.01 (78 heterozygotes, 0 homozygotes). (SP) 0309 - Multiple alternative amino acid changes at the same position has been observed in gnomAD (v4) (highest allele count: 2 heterozygotes, 0 homozygotes). (I) 0501 - Missense variant consistently predicted to be damaging by multiple in silico tools or highly conserved with a major amino acid change. (SP) 0600 - Variant is located in the annotated connexin domain (DECIPHER). (I) 0801 - This variant has very strong previous evidence of pathogenicity in unrelated individuals. This variant has been reported pathogenic in >10 unrelated individuals with hearing loss (ClinVar, Deafness Variation database), and has been reported compound heterozygous with other well-known pathogenic variants in individuals with hearing loss (PMID: 24156272). (SP) 1208 - Inheritance information for this variant is not currently available in this individual. (I) Legend: (SP) - Supporting pathogenic, (I) - Information, (SB) - Supporting benign

Dasa
Classification: Pathogenic. Last evaluated: 2024-09-17. Review status: criteria provided, single submitter. Criteria: DASA Assertion Criteria. Collection method: clinical testing. Allele origin: germline.
Comment: NM_004004.6(GJB2):c.283G>A (p.Val95Met) is a missense variant that results in the substitution of valine with methionine. Functional evidence supports a deleterious effect on the gene or gene product (PMID: 16217030; PMID: 11216656; PMID: 14985372; PMID: 23668481; PMID: 27398341). This variant has been recurrently observed in individuals with related phenotype (PMID: 16217030; PMID: 11216656; PMID: 14985372; PMID: 23668481; PMID: 27398341). Segregation evidence has been reported in affected families. Multiple computational predictions support a deleterious effect on the gene or gene product. The variant is present at low frequency in population datasets. Based on the available data, this variant is classified as pathogenic.

Blueprint Genetics
Classification: Pathogenic for GJB2-related disorders. Last evaluated: 2024-05-03. Review status: criteria provided, single submitter. Criteria: ACMG Guidelines, 2015. Collection method: clinical testing. Allele origin: germline. Affected: yes. Observed: 3 variant alleles.

Fulgent Genetics
Classification: Pathogenic for Mutilating keratoderma; Autosomal dominant keratitis-ichthyosis-hearing loss syndrome; Palmoplantar keratoderma-deafness syndrome; Knuckle pads, deafness AND leukonychia syndrome; Autosomal recessive nonsyndromic hearing loss 1A; Autosomal dominant nonsyndromic hearing loss 3A. Last evaluated: 2024-04-29. Review status: criteria provided, single submitter. Criteria: ACMG Guidelines, 2015. Collection method: clinical testing. Allele origin: germline.

Women's Health and Genetics/Laboratory Corporation of America, LabCorp
Classification: Pathogenic for Autosomal recessive nonsyndromic hearing loss 1A. Last evaluated: 2022-04-27. Review status: criteria provided, single submitter. Criteria: LabCorp Variant Classification Summary - May 2015. Collection method: clinical testing. Allele origin: germline.
Comment: Variant summary: GJB2 c.283G>A (p.Val95Met) results in a conservative amino acid change located in the Connexin, N-terminal domain (IPR013092) of the encoded protein sequence. Four of five in-silico tools predict a damaging effect of the variant on protein function. The variant allele was found at a frequency of 4.8e-05 in 251540 control chromosomes (gnomAD, Cheng_2005, Kelley_1998). This frequency is not significantly higher than expected for a pathogenic variant in GJB2 causing Autosomal Recessive Non-Syndromic Hearing Loss (4.8e-05 vs 0.025), allowing no conclusion about variant significance. c.283G>A has been reported in the literature in multiple individuals affected with Autosomal Recessive Non-Syndromic Hearing Loss (e.g. Castro_2013, Cheng_2005, Cryns_2004, Kelley_1998, Dalamon_2013). These data indicate that the variant is very likely to be associated with disease. One publication reports that the variant negatively impacted large molecule trafficking across gap junctions, thereby disrupting gap junction mediated intracellular signaling (Zhang_2005). Nine ClinVar submitters have assessed the variant since 2014: all have classified the variant as pathogenic. Based on the evidence outlined above, the variant was classified as pathogenic.

Revvity Omics, Revvity
Classification: Likely pathogenic. Last evaluated: 2021-11-30. Review status: criteria provided, single submitter. Criteria: ACMG Guidelines, 2015. Collection method: clinical testing. Allele origin: germline.

INGEBI, INGEBI / CONICET
Classification: Pathogenic for Nonsyndromic hearing loss and deafness. Last evaluated: 2020-08-21. Review status: criteria provided, single submitter. Criteria: ClinGen HL ACMG Specifications v1. Collection method: clinical testing. Allele origin: germline. Inheritance: Autosomal recessive inheritance. Affected: yes. Observed: 3 variant alleles. Clinical features observed: Prelingual moderate bilateral hearing loss, Prelingual profound bilateral hearing loss.
Comment: Based on ACMG/AMP guidelines and Hearing Loss Expert Panel specific criteria: the filter allele sequence of the c.283G>A p.(Val95Met) in GJB2 gene is 0,0056% (5/34590 alleles in Latino population with 95% CI) in Genome Aggregation Database (calculated by using inverse allele frequency at an online resource), meeting PM2 criteria. This variant was identified in trans with several pathogenic variants in at least 10 patients with non-syndromic hearing loss (PM3_VeryStrong; PMID: 9529365, 11216656, 12081719, 12239718, 14985372, 15967879, 16380907, 20234132, 26043044, 24158611). This change in trans with pathogenic variants segregated in two siblings in two different families applying to PP1_Supporting (PMID:9529365, 11216656). Computational evidence predicted a pathogenic effect of the variant to the protein (REVELscore: 0.894; PP3). Functional studies showed that V95M mutant formed functional channels that were permeable to fluorescent tracers in transfected N2A cells and conductance measure similar to WT-Cx26. However, reduce permeability to larger molecules was demonstrated (PMID: 12562518, 16217030). Therefore, functional data was not counted. Therefore, this variant meets criteria to be classified as pathogenic for autosomal recessive non-syndromic hearing loss (PM2, PM3_VeryStrong, PP1_Supporting and PP3)

New York Genome Center
Classification: Pathogenic for Autosomal recessive nonsyndromic hearing loss 1A. Last evaluated: 2020-07-10. Review status: criteria provided, single submitter. Criteria: NYGC Assertion Criteria 2020. Collection method: clinical testing. Allele origin: inherited. Observed: 1 heterozygote. Study: CSER-NYCKidSeq.

ARUP Laboratories, Molecular Genetics and Genomics, ARUP Laboratories
Classification: Pathogenic. Last evaluated: 2018-02-09. Review status: criteria provided, single submitter. Criteria: ARUP Molecular Germline Variant Investigation Process. Collection method: clinical testing. Allele origin: germline.
Comment: The GJB2 c.283G>A; p.Val95Met variant has been reported multiple times in the literature in individuals and families with hearing loss who were compound heterozygous with another pathogenic variant (Cheng 2005, Kelley 1998, Oliveira 2002, Putcha 2007, Snoeckx 2005). Additionally, functional studies suggest the variant protein affects biochemical coupling, but has little or no effect on intercellular conductance of gap junctions (Zhang 2005, Wang 2003). This variant has been reported to the ClinVar database (Variation ID: 44735), and is observed in the general population databases at a frequency of 0.005% (rs111033299, Genome Aggregation Database). The valine at codon 95 is well conserved across species, and computational algorithms predict this variant to be damaging to the protein (SIFT, PolyPhen2, MutationTaster). Taken together, this variant is considered pathogenic.

Fulgent Genetics
Classification: Pathogenic for Mutilating keratoderma; Autosomal dominant keratitis-ichthyosis-hearing loss syndrome; Palmoplantar keratoderma-deafness syndrome; Knuckle pads, deafness AND leukonychia syndrome; Autosomal recessive nonsyndromic hearing loss 1A; X-linked mixed hearing loss with perilymphatic gusher; Autosomal dominant nonsyndromic hearing loss 3A. Last evaluated: 2017-05-18. Review status: criteria provided, single submitter. Criteria: ACMG Guidelines, 2015. Collection method: clinical testing. Allele origin: unknown.